The following is an entry in ClinVar:

NM_001128840.3(CACNA1D):c.1740A>C (p.Gln580His)

Gene: CACNA1D (calcium voltage-gated channel subunit alpha1 D; plus strand). Cytogenetic location: 3p21.1.
Variant type: single nucleotide variant.
Coding change: c.1740A>C on transcript NM_001128840.3 (MANE Select); coding-DNA position 1740, A replaced by C.
Protein change: p.Gln580His; replaces glutamine 580 with histidine.
Molecular consequence: missense variant.
Genome position (GRCh38, 1-based): chr3:53,723,507, A>C. VCF-style: chr3-53723507-A-C. GRCh37 (hg19) VCF-style: chr3-53757534-A-C.
Other names: c.1800A>C, p.Gln600His (NM_000720.4); c.1740A>C, p.Gln580His (NM_001128839.3); short protein forms Q580H, Q600H.
Identifiers: ClinVar variation 2851149 (VCV002851149.3), dbSNP rs2473695369, ClinGen allele CA353236840.

ClinVar aggregate classification (germline): Uncertain significance (1 of 4 stars; one submission).

Allele frequency attached by ClinVar (database versions not stated): gnomAD exomes below 0.00001.
gnomAD v4.1: 1 of 1,614,094 alleles (0.000062%); highest among the groups gnomAD compares: Non-Finnish European, 0.000085%; no homozygotes.

Submission:

Labcorp Genetics (formerly Invitae), Labcorp
Classification: Uncertain significance. Last evaluated: 2023-03-31. Review status: criteria provided, single submitter. Criteria: Invitae Variant Classification Sherloc (09022015). Collection method: clinical testing. Allele origin: germline.
Comment: This sequence change replaces glutamine, which is neutral and polar, with histidine, which is basic and polar, at codon 600 of the CACNA1D protein (p.Gln600His). This variant is not present in population databases (gnomAD no frequency). This variant has not been reported in the literature in individuals affected with CACNA1D-related conditions. Advanced modeling of protein sequence and biophysical properties (such as structural, functional, and spatial information, amino acid conservation, physicochemical variation, residue mobility, and thermodynamic stability) performed at Invitae indicates that this missense variant is not expected to disrupt CACNA1D protein function. In summary, the available evidence is currently insufficient to determine the role of this variant in disease. Therefore, it has been classified as a Variant of Uncertain Significance.